The following is an entry in ClinVar:

ClinVar aggregate classification (germline): Uncertain significance (1 of 4 stars; one submission).

Conditions:
MOGS-congenital disorder of glycosylation. Also called: CDG 2B; MOGS-CDG; CDG IIb; GLUCOSIDASE I DEFICIENCY. Identifiers: Orphanet 79330, MedGen C1853736, MONDO:0011629, OMIM 606056.

Submission:

Labcorp Genetics (formerly Invitae), Labcorp
Classification: Uncertain significance for MOGS-congenital disorder of glycosylation. Last evaluated: 2020-10-16. Review status: criteria provided, single submitter. Criteria: Invitae Variant Classification Sherloc (09022015). Collection method: clinical testing. Allele origin: germline.
Comment: In summary, the available evidence is currently insufficient to determine the role of this variant in disease. Therefore, it has been classified as a Variant of Uncertain Significance. This variant disrupts a region of the protein in which other variant(s) (p.F652L, p.G752D, p.Thr802Ile) have been observed in individuals with MOGS-related conditions (PMID: 10788335, 32246563, 29235540). This suggests that this may be a clinically significant region of the MOGS protein. This variant has not been reported in the literature in individuals with MOGS-related conditions. This variant is not present in population databases (ExAC no frequency). This sequence change creates a premature translational stop signal (p.Glu616*) in the MOGS gene. While this is not anticipated to result in nonsense mediated decay, it is expected to disrupt the last 222 amino acid(s) of the MOGS protein.

Literature cited by the submitters: PubMed 10788335; PubMed 32246563; PubMed 29235540.

NM_006302.3(MOGS):c.1845_1846insT (p.Glu616Ter)

Gene: MOGS (mannosyl-oligosaccharide glucosidase; minus strand). Cytogenetic location: 2p13.1.
Variant type: Insertion.
Coding change: c.1845_1846insT on transcript NM_006302.3 (MANE Select); coding-DNA positions 1845 to 1846, T inserted.
Protein change: p.Glu616Ter; replaces glutamic acid 616 with a stop codon.
Molecular consequence: nonsense.
Genome position: GRCh38 VCF-style: chr2-74461943-C-CA. GRCh37 (hg19) VCF-style: chr2-74689070-C-CA.
Other names: c.1527_1528insT, p.Glu510Ter (NM_001146158.2); short protein forms E510*, E616*.
Identifiers: ClinVar variation 1063632 (VCV001063632.7), dbSNP rs2103977523, ClinGen allele CA2499216279.